The following is an entry in ClinVar:

ClinVar aggregate classification (germline): Uncertain significance (1 of 4 stars; one submission).

Conditions:
Very long chain acyl-CoA dehydrogenase deficiency (ACADVLD). Also called: VLCAD Deficiency; Very Long-Chain Acyl-Coenzyme A Dehydrogenase Deficiency. Identifiers: Orphanet 26793, MedGen C3887523, MONDO:0008723, OMIM 201475.

gnomAD v4.1: 2 of 1,613,814 alleles (0.00012%); highest among the groups gnomAD compares: Non-Finnish European, 0.00017%; no homozygotes.

Submission:

Labcorp Genetics (formerly Invitae), Labcorp
Classification: Uncertain significance for Very long chain acyl-CoA dehydrogenase deficiency. Last evaluated: 2021-10-24. Review status: criteria provided, single submitter. Criteria: Invitae Variant Classification Sherloc (09022015). Collection method: clinical testing. Allele origin: germline.
Comment: This sequence change replaces glutamic acid with aspartic acid at codon 297 of the ACADVL protein (p.Glu297Asp). The glutamic acid residue is highly conserved and there is a small physicochemical difference between glutamic acid and aspartic acid. This variant is not present in population databases (ExAC no frequency). This variant has not been reported in the literature in individuals affected with ACADVL-related conditions. Algorithms developed to predict the effect of missense changes on protein structure and function (SIFT, PolyPhen-2, Align-GVGD) all suggest that this variant is likely to be disruptive. In summary, the available evidence is currently insufficient to determine the role of this variant in disease. Therefore, it has been classified as a Variant of Uncertain Significance.

NM_000018.4(ACADVL):c.891G>C (p.Glu297Asp)

Gene: ACADVL (acyl-CoA dehydrogenase very long chain; plus strand). Cytogenetic location: 17p13.1.
Variant type: single nucleotide variant.
Coding change: c.891G>C on transcript NM_000018.4 (MANE Select); coding-DNA position 891, G replaced by C.
Protein change: p.Glu297Asp; replaces glutamic acid 297 with aspartic acid.
Molecular consequence: missense variant.
Genome position (GRCh38, 1-based): chr17:7,222,679, G>C. VCF-style: chr17-7222679-G-C. GRCh37 (hg19) VCF-style: chr17-7125998-G-C.
Other names: c.825G>C, p.Glu275Asp (NM_001033859.3); c.960G>C, p.Glu320Asp (NM_001270447.2); c.663G>C, p.Glu221Asp (NM_001270448.2); short protein forms E221D, E275D, E320D, E297D.
Identifiers: ClinVar variation 1389021 (VCV001389021.3), dbSNP rs2071287588, ClinGen allele CA397723912.